The following is an entry in ClinVar:

NM_024529.5(CDC73):c.816T>G (p.Asn272Lys)

Gene: CDC73 (cell division cycle 73; plus strand). Cytogenetic location: 1q31.2.
Variant type: single nucleotide variant.
Coding change: c.816T>G on transcript NM_024529.5 (MANE Select); coding-DNA position 816, T replaced by G.
Protein change: p.Asn272Lys; replaces asparagine 272 with lysine.
Molecular consequence: missense variant.
Genome position (GRCh38, 1-based): chr1:193,147,953, T>G. VCF-style: chr1-193147953-T-G. GRCh37 (hg19) VCF-style: chr1-193117083-T-G.
Other names: short protein forms N272K.
Identifiers: ClinVar variation 1394730 (VCV001394730.10), dbSNP rs2103130616, ClinGen allele CA343964217.
Genomic context (GRCh38, chr1:193,147,953, plus strand): 5'-TCTTCAATCTGTAAAAGCCAGAGAAGAAGGGCGTGCACCTGAACAGCGACCTGCCCCAAA[T>G]GCAGCACCTGTGGTAAGAATGCTTTACTGCTTTACAGTAGATTTAATGAAGTTGCCACTT-3'
Protein context (NP_078805.3, residues 262-282): GRAPEQRPAP[Asn272Lys]AAPVDPTLRT

ClinVar aggregate classification (germline): Uncertain significance. Review status: criteria provided, multiple submitters, no conflicts (2 of 4 stars). 2 submissions from 2 submitters: Uncertain significance (2). Last evaluated 2025-11-03.

Conditions:
Hereditary cancer-predisposing syndrome. Also called: Neoplastic Syndromes, Hereditary; Hereditary neoplastic syndrome; Tumor predisposition; Hereditary Cancer Syndrome. Identifiers: Orphanet 140162, MedGen C0027672, MeSH D009386, MONDO:0015356.
Parathyroid carcinoma (PRTC). Also called: Parathyroid gland carcinoma; CDC73-Related Parathyroid Carcinoma. Identifiers: Orphanet 143, MedGen C0687150, MONDO:0012004, OMIM 608266, HP:0006780.

Allele frequency attached by ClinVar (database versions not stated): gnomAD exomes 0.00001.
gnomAD v4.1: 8 of 1,610,676 alleles (0.0005%); highest among the groups gnomAD compares: Non-Finnish European, 0.00068%; no homozygotes.

Submissions (2):

Labcorp Genetics (formerly Invitae), Labcorp
Classification: Uncertain significance for Parathyroid carcinoma. Last evaluated: 2025-11-03. Review status: criteria provided, single submitter. Criteria: Invitae Variant Classification Sherloc (09022015). Collection method: clinical testing. Allele origin: germline.
Comment: This sequence change replaces asparagine, which is neutral and polar, with lysine, which is basic and polar, at codon 272 of the CDC73 protein (p.Asn272Lys). This variant is not present in population databases (gnomAD no frequency). This variant has not been reported in the literature in individuals affected with CDC73-related conditions. ClinVar contains an entry for this variant (Variation ID: 1394730). Invitae Evidence Modeling of protein sequence and biophysical properties (such as structural, functional, and spatial information, amino acid conservation, physicochemical variation, residue mobility, and thermodynamic stability) indicates that this missense variant is not expected to disrupt CDC73 protein function with a negative predictive value of 80%. In summary, the available evidence is currently insufficient to determine the role of this variant in disease. Therefore, it has been classified as a Variant of Uncertain Significance.

Ambry Genetics
Classification: Uncertain significance for Hereditary cancer-predisposing syndrome. Last evaluated: 2024-09-30. Review status: criteria provided, single submitter. Criteria: Ambry Variant Classification Scheme 2023. Collection method: clinical testing. Allele origin: germline.
Comment: The p.N272K variant (also known as c.816T>G), located in coding exon 8 of the CDC73 gene, results from a T to G substitution at nucleotide position 816. The asparagine at codon 272 is replaced by lysine, an amino acid with similar properties. This amino acid position is conserved. In addition, this alteration is predicted to be tolerated by in silico analysis. Since supporting evidence is limited at this time, the clinical significance of this alteration remains unclear.